The following is an entry in ClinVar:

NM_005356.5(LCK):c.1293G>A (p.Thr431=)

Gene: LCK (LCK proto-oncogene, Src family tyrosine kinase; plus strand). Cytogenetic location: 1p35.2.
Variant type: single nucleotide variant.
Coding change: c.1293G>A on transcript NM_005356.5 (MANE Select); coding-DNA position 1293, G replaced by A.
Protein change: p.Thr431=; no amino-acid change (threonine 431 retained).
Molecular consequence: synonymous variant.
Genome position (GRCh38, 1-based): chr1:32,280,176, G>A. VCF-style: chr1-32280176-G-A. GRCh37 (hg19) VCF-style: chr1-32745777-G-A.
Other names: c.1293G>A, p.Thr431= (NM_001042771.3); c.1140G>A, p.Thr380= (NM_001330468.2); c.1293G>A (NM_001042771.2).
Identifiers: ClinVar variation 1429509 (VCV001429509.10), dbSNP rs375815167, ClinGen allele CA741330.

ClinVar aggregate classification (germline): Likely benign. Review status: criteria provided, single submitter (1 of 4 stars). 2 submissions from 2 submitters: Likely benign (1). 1 of the submissions does not count toward it. Last evaluated 2026-01-14.

Conditions:
Severe combined immunodeficiency due to LCK deficiency. Also called: Immunodeficiency 22. Identifiers: Orphanet 280142, MedGen C4014233, MONDO:0014334, OMIM 615758.
LCK-related disorder. Also called: LCK-related condition.

Allele frequency attached by ClinVar (database versions not stated): ExAC 0.00001; gnomAD 0.00001; gnomAD exomes 0.00001; TOPMed 0.00002; ESP Exome Variant Server 0.00008.
gnomAD v4.1: 10 of 1,613,956 alleles (0.00062%); highest among the groups gnomAD compares: Admixed American, 0.0017%; no homozygotes.

Submissions (2):

Labcorp Genetics (formerly Invitae), Labcorp
Classification: Likely benign for Severe combined immunodeficiency due to LCK deficiency. Last evaluated: 2026-01-14. Review status: criteria provided, single submitter. Criteria: Invitae Variant Classification Sherloc (09022015). Collection method: clinical testing. Allele origin: germline.

PreventionGenetics, part of Exact Sciences
Classification: Likely benign for LCK-related condition. Last evaluated: 2023-09-02. Review status: no assertion criteria provided. Collection method: clinical testing. Allele origin: germline. Not counted in ClinVar's aggregate classification.
Comment: This variant is classified as likely benign based on ACMG/AMP sequence variant interpretation guidelines (Richards et al. 2015 PMID: 25741868, with internal and published modifications).